The following is an entry in ClinVar:

NM_173477.5(USH1G):c.182G>A (p.Cys61Tyr)

Gene: USH1G (USH1 protein network component sans; minus strand). Cytogenetic location: 17q25.1.
Variant type: single nucleotide variant.
Coding change: c.182G>A on transcript NM_173477.5 (MANE Select); coding-DNA position 182, G replaced by A.
Protein change: p.Cys61Tyr; replaces cysteine 61 with tyrosine.
Molecular consequence: missense variant. On other transcripts: intron variant (1).
Genome position (GRCh38, 1-based): chr17:74,920,654, C>T on the plus strand (G>A on the coding strand, the complement: USH1G is on the minus strand). VCF-style: chr17-74920654-C-T. GRCh37 (hg19) VCF-style: chr17-72916749-C-T.
Other names: c.-92-36G>A (NM_001282489.3); short protein forms C61Y.
Identifiers: ClinVar variation 2016935 (VCV002016935.4), dbSNP rs2544431994, ClinGen allele CA400966878.
Genomic context (GRCh38, chr17:74,920,654, plus strand): 5'-AGGCAGTGCAAGTGGCCATTGGAAGCTGCCAGATGCAGGGGTGTGTTGCCCCAGATGTCA[C>T]ACTTGTCCGGGTCACCCCTGCAGGGAAAGCATTCAGGAGGGACGAGTGACGAGTCCTGGC-3'
Protein context (NP_775748.2, residues 51-71): IVSRGGDPDK[Cys61Tyr]DIWGNTPLHL

ClinVar aggregate classification (germline): Uncertain significance (1 of 4 stars; one submission).

Submission:

Labcorp Genetics (formerly Invitae), Labcorp
Classification: Uncertain significance. Last evaluated: 2023-12-07. Review status: criteria provided, single submitter. Criteria: Invitae Variant Classification Sherloc (09022015). Collection method: clinical testing. Allele origin: germline.
Comment: This sequence change replaces cysteine, which is neutral and slightly polar, with tyrosine, which is neutral and polar, at codon 61 of the USH1G protein (p.Cys61Tyr). This variant is not present in population databases (gnomAD no frequency). This variant has not been reported in the literature in individuals affected with USH1G-related conditions. ClinVar contains an entry for this variant (Variation ID: 2016935). Advanced modeling of protein sequence and biophysical properties (such as structural, functional, and spatial information, amino acid conservation, physicochemical variation, residue mobility, and thermodynamic stability) performed at Invitae indicates that this missense variant is expected to disrupt USH1G protein function with a positive predictive value of 80%. In summary, the available evidence is currently insufficient to determine the role of this variant in disease. Therefore, it has been classified as a Variant of Uncertain Significance.